The following is an entry in ClinVar:

ClinVar aggregate classification (germline): Likely benign. Review status: reviewed by expert panel (3 of 4 stars). 6 submissions from 6 submitters: Likely benign (1). 5 of the submissions do not count toward it. Last evaluated 2025-01-07.

Conditions:
Global developmental delay - lung cysts - overgrowth - Wilms tumor syndrome. Also called: GLOW Syndrome; GLOBAL DEVELOPMENTAL DELAY, LUNG CYSTS, OVERGROWTH, AND WILMS TUMOR. Identifiers: Orphanet 404476, MedGen C4748924, MONDO:0018445, OMIM 618272.
DICER1-related tumor predisposition. Also called: DICER1-related pleuropulmonary blastoma cancer predisposition syndrome; DICER1 syndrome. Identifiers: Orphanet 284343, MedGen C3839822, MONDO:0100216.
Hereditary cancer-predisposing syndrome. Also called: Tumor predisposition; Neoplastic Syndromes, Hereditary; Hereditary Cancer Syndrome; Hereditary neoplastic syndrome. Identifiers: Orphanet 140162, MedGen C0027672, MeSH D009386, MONDO:0015356.

Allele frequency attached by ClinVar (database versions not stated): gnomAD 0.00001; gnomAD exomes 0.00001; TOPMed 0.00002.
gnomAD v4.1: 5 of 1,613,934 alleles (0.00031%); highest among the groups gnomAD compares: African/African-American, 0.0013%; no homozygotes.

Submissions (6):

ClinGen DICER1 and miRNA-Processing Gene Variant Curation Expert Panel, ClinGen
Classification: Likely benign for DICER1-related tumor predisposition. Last evaluated: 2025-01-07. Review status: reviewed by expert panel. Criteria: ClinGen DICER1 ACMG Specifications DICER1 V1.3.0. Collection method: curation. Allele origin: germline. Inheritance: Autosomal dominant inheritance.
Comment: The NM_177438.3:c.192A>T variant in DICER1 is a missense variant predicted to cause substitution of leucine by phenylalanine at amino acid 64 (p.Leu64Phe). Although this variant has been observed in germline cases, to our knowledge, this variant has not been reported in individuals with DICER1-related tumor predisposition (PS4 not met; PMID: 28562508, Internal lab contributors). This variant has been seen in 10 or more unrelated females without tumors through age 50 in at least one testing laboratory (BS2_Supporting; Internal lab contributors: Ambry, LabCorp Genetics). The total allele frequency in gnomAD v4.1.0 is 0.000003098 (5/1613934 alleles) with a highest population minor allele frequency of 0.00001335 (1/74926 alleles) in the African/African American population and with multiple alleles present in the European (non-Finnish) population (PM2_Supporting, BS1, and BA1 are not met). In silico tools predict no damaging impact of the variant on protein function (REVEL: 0.432; MaxEntScan and SpliceAI: no effect on splicing) (BP4). In summary, this variant meets the criteria to be classified as Likely Benign for DICER1-related tumor predisposition based on the ACMG/AMP criteria applied, as specified by the ClinGen DICER1 VCEP: BS2_Supporting, BP4. (Bayesian Points: -2; VCEP specifications version 1.3.0; 01/07/2025)

Labcorp Genetics (formerly Invitae), Labcorp
Classification: Uncertain significance for DICER1-related tumor predisposition. Last evaluated: 2025-07-07. Review status: criteria provided, single submitter. Criteria: Invitae Variant Classification Sherloc (09022015). Collection method: clinical testing. Allele origin: germline. Not counted in ClinVar's aggregate classification.
Comment: This sequence change replaces leucine, which is neutral and non-polar, with phenylalanine, which is neutral and non-polar, at codon 64 of the DICER1 protein (p.Leu64Phe). This variant is not present in population databases (gnomAD no frequency). This missense change has been observed in individual(s) with constitutional mismatch repair deficiency syndrome (CMMR-D) with corpus callosum agenesis (PMID: 28562508). ClinVar contains an entry for this variant (Variation ID: 477075). Invitae Evidence Modeling of protein sequence and biophysical properties (such as structural, functional, and spatial information, amino acid conservation, physicochemical variation, residue mobility, and thermodynamic stability) has been performed for this missense variant. However, the output from this modeling did not meet the statistical confidence thresholds required to predict the impact of this variant on DICER1 protein function. In summary, the available evidence is currently insufficient to determine the role of this variant in disease. Therefore, it has been classified as a Variant of Uncertain Significance.

Ambry Genetics
Classification: Uncertain significance for Hereditary cancer-predisposing syndrome. Last evaluated: 2024-11-05. Review status: criteria provided, single submitter. Criteria: Ambry Variant Classification Scheme 2023. Collection method: clinical testing. Allele origin: germline. Not counted in ClinVar's aggregate classification.
Comment: The p.L64F variant (also known as c.192A>T), located in coding exon 2 of the DICER1 gene, results from an A to T substitution at nucleotide position 192. The leucine at codon 64 is replaced by phenylalanine, an amino acid with highly similar properties. This alteration has been reported in a child with features of constitutional mismatch repair deficiency (CMMRD) syndrome who was also found to be homozygous for a pathogenic PMS2 mutation (Cheyuo C et al. J. Pediatr. Hematol. Oncol., 2017 10;39:e381-e387). This amino acid position is highly conserved in available vertebrate species. In addition, this alteration is predicted to be deleterious by in silico analysis. Since supporting evidence is limited at this time, the clinical significance of this alteration remains unclear.

GeneDx
Classification: Uncertain significance. Last evaluated: 2024-06-30. Review status: criteria provided, single submitter. Criteria: GeneDx Variant Classification Process June 2021. Collection method: clinical testing. Allele origin: germline. Affected: yes. Not counted in ClinVar's aggregate classification.
Comment: Not observed at significant frequency in large population cohorts (gnomAD); In silico analysis supports that this missense variant has a deleterious effect on protein structure/function; Observed in a patient with features of constitutional mismatch repair deficiency who was also apparently homozygous for a pathogenic variant in PMS2 (PMID: 28562508); This variant is associated with the following publications: (PMID: 28562508)

Baylor Genetics
Classification: Uncertain significance for Global developmental delay - lung cysts - overgrowth - Wilms tumor syndrome. Last evaluated: 2024-02-13. Review status: criteria provided, single submitter. Criteria: ACMG Guidelines, 2015. Collection method: clinical testing. Allele origin: unknown. Not counted in ClinVar's aggregate classification.

Foulkes Cancer Genetics LDI, Lady Davis Institute for Medical Research
Classification: Uncertain significance. Last evaluated: 2019-07-01. Review status: criteria provided, single submitter. Criteria: ACMG Guidelines, 2015. Collection method: curation. Allele origin: germline. Affected: yes. Observed: 1 variant allele. Not counted in ClinVar's aggregate classification.
Comment: ACMG criteria met: PM2, PP3, BP1

Literature cited by the submitters: PubMed 28562508 (cited by 3 submitters).

NM_177438.3(DICER1):c.192A>T (p.Leu64Phe)

Gene: DICER1 (dicer 1, ribonuclease III; minus strand). Cytogenetic location: 14q32.13.
Variant type: single nucleotide variant.
Coding change: c.192A>T on transcript NM_177438.3 (MANE Select); coding-DNA position 192, A replaced by T.
Protein change: p.Leu64Phe; replaces leucine 64 with phenylalanine.
Molecular consequence: missense variant.
Genome position (GRCh38, 1-based): chr14:95,132,630, T>A on the plus strand (A>T on the coding strand, the complement: DICER1 is on the minus strand). VCF-style: chr14-95132630-T-A. GRCh37 (hg19) VCF-style: chr14-95598967-T-A.
Other names: NM_177438.3(DICER1):c.192A>T; p.Leu64Phe; c.192A>T, p.Leu64Phe (NM_001195573.1, NM_001271282.3, NM_001291628.2 and 1 more transcripts); short protein forms L64F.
Identifiers: ClinVar variation 477075 (VCV000477075.22), dbSNP rs1231822339, ClinGen allele CA390890030.